The following is an entry in ClinVar:

ClinVar aggregate classification (germline): Likely pathogenic. Review status: criteria provided, multiple submitters, no conflicts (2 of 4 stars). 2 submissions from 2 submitters: Likely pathogenic (2). Last evaluated 2024-12-12.

Conditions:
3-methylcrotonyl-CoA carboxylase 1 deficiency (MCC1D). Also called: MCC 1 deficiency; 3 Alpha methylcrotonylglycinuria 1; MCCD TYPE 1; METHYLCROTONYLGLYCINURIA TYPE I. Identifiers: Orphanet 6, MedGen CN028786, MONDO:0008861, OMIM 210200.

Submissions (2):

Labcorp Genetics (formerly Invitae), Labcorp
Classification: Likely pathogenic for 3-methylcrotonyl-CoA carboxylase 1 deficiency. Last evaluated: 2024-12-12. Review status: criteria provided, single submitter. Criteria: Invitae Variant Classification Sherloc (09022015). Collection method: clinical testing. Allele origin: germline.
Comment: This sequence change affects an acceptor splice site in intron 10 of the MCCC1 gene. It is expected to disrupt RNA splicing. Variants that disrupt the donor or acceptor splice site typically lead to a loss of protein function (PMID: 16199547), and loss-of-function variants in MCCC1 are known to be pathogenic (PMID: 11181649, 15359379, 22642865). This variant is not present in population databases (gnomAD no frequency). This variant has not been reported in the literature in individuals affected with MCCC1-related conditions. Algorithms developed to predict the effect of sequence changes on RNA splicing suggest that this variant may disrupt the consensus splice site. In summary, the currently available evidence indicates that the variant is pathogenic, but additional data are needed to prove that conclusively. Therefore, this variant has been classified as Likely Pathogenic.

Juno Genomics, Hangzhou Juno Genomics, Inc
Classification: Likely pathogenic for 3-methylcrotonyl-CoA carboxylase 1 deficiency. Review status: criteria provided, single submitter. Criteria: ACMG Guidelines, 2015. Collection method: clinical testing. Allele origin: germline.
Comment: Null variant in a gene where loss of function (LOF) is a known mechanism of disease.;Absent from controls (or at extremely low frequency if recessive) in Genome Aggregation Database.

Literature cited by the submitters: PubMed 16199547 (cited by Labcorp Genetics (formerly Invitae), Labcorp); PubMed 11181649 (cited by Labcorp Genetics (formerly Invitae), Labcorp); PubMed 15359379 (cited by Labcorp Genetics (formerly Invitae), Labcorp); PubMed 22642865 (cited by Labcorp Genetics (formerly Invitae), Labcorp).

NM_020166.5(MCCC1):c.1084-1G>T

Gene: MCCC1 (methylcrotonyl-CoA carboxylase subunit 1; minus strand). Cytogenetic location: 3q27.1.
Variant type: single nucleotide variant.
Coding change: c.1084-1G>T on transcript NM_020166.5 (MANE Select); the canonical splice acceptor site of the intron before coding-DNA position 1084, G replaced by T.
Molecular consequence: splice acceptor variant.
Genome position (GRCh38, 1-based): chr3:183,041,751, C>A on the plus strand (G>T on the coding strand, the complement: MCCC1 is on the minus strand). VCF-style: chr3-183041751-C-A. GRCh37 (hg19) VCF-style: chr3-182759539-C-A.
Other names: c.757-1G>T (NM_001363880.1); c.733-1G>T (NM_001293273.2).
Identifiers: ClinVar variation 3727210 (VCV003727210.4).